The following is an entry in ClinVar:

NM_003072.5(SMARCA4):c.1994A>C (p.Glu665Ala)

Gene: SMARCA4 (SWI/SNF related BAF chromatin remodeling complex subunit ATPase 4; plus strand). Cytogenetic location: 19p13.2.
Variant type: single nucleotide variant.
Coding change: c.1994A>C on transcript NM_003072.5 (MANE Select); coding-DNA position 1994, A replaced by C.
Protein change: p.Glu665Ala; replaces glutamic acid 665 with alanine.
Molecular consequence: missense variant. On other transcripts: non-coding transcript variant (1).
Genome position (GRCh38, 1-based): chr19:11,003,390, A>C. VCF-style: chr19-11003390-A-C. GRCh37 (hg19) VCF-style: chr19-11114066-A-C.
Other names: c.1994A>C, p.Glu665Ala (NM_001128844.3, NM_001128845.2, NM_001128846.2 and 5 more transcripts); short protein forms E665A.
Identifiers: ClinVar variation 484915 (VCV000484915.17), dbSNP rs754483795, ClinGen allele CA404052309.

ClinVar aggregate classification (germline): Uncertain significance. Review status: criteria provided, multiple submitters, no conflicts (2 of 4 stars). 3 submissions from 3 submitters: Uncertain significance (3). Last evaluated 2024-08-23.

Conditions:
Hereditary cancer-predisposing syndrome. Also called: Neoplastic Syndromes, Hereditary; Tumor predisposition; Hereditary Cancer Syndrome; Hereditary neoplastic syndrome. Identifiers: Orphanet 140162, MedGen C0027672, MeSH D009386, MONDO:0015356.
Intellectual disability, autosomal dominant 16 (CSS4). Also called: COFFIN-SIRIS SYNDROME 4. Identifiers: Orphanet 1465, MedGen C3553249, MONDO:0013821, OMIM 614609.
Rhabdoid tumor predisposition syndrome 2 (RTPS2). Identifiers: Orphanet 231108, Orphanet 69077, MedGen C2750074, MONDO:0013224, OMIM 613325.

Submissions (3):

Ambry Genetics
Classification: Uncertain significance for Hereditary cancer-predisposing syndrome. Last evaluated: 2024-08-23. Review status: criteria provided, single submitter. Criteria: Ambry Variant Classification Scheme 2023. Collection method: clinical testing. Allele origin: germline.
Comment: The p.E665A variant (also known as c.1994A>C), located in coding exon 12 of the SMARCA4 gene, results from an A to C substitution at nucleotide position 1994. The glutamic acid at codon 665 is replaced by alanine, an amino acid with dissimilar properties. This amino acid position is highly conserved in available vertebrate species. In addition, this alteration is predicted to be tolerated by in silico analysis. Based on the available evidence, the clinical significance of this variant remains unclear.

Labcorp Genetics (formerly Invitae), Labcorp
Classification: Uncertain significance for Rhabdoid tumor predisposition syndrome 2. Last evaluated: 2022-07-02. Review status: criteria provided, single submitter. Criteria: Invitae Variant Classification Sherloc (09022015). Collection method: clinical testing. Allele origin: germline.
Comment: In summary, the available evidence is currently insufficient to determine the role of this variant in disease. Therefore, it has been classified as a Variant of Uncertain Significance. Algorithms developed to predict the effect of missense changes on protein structure and function are either unavailable or do not agree on the potential impact of this missense change (SIFT: "Deleterious"; PolyPhen-2: "Benign"; Align-GVGD: "Class C65"). ClinVar contains an entry for this variant (Variation ID: 484915). This variant has not been reported in the literature in individuals affected with SMARCA4-related conditions. This variant is not present in population databases (gnomAD no frequency). This sequence change replaces glutamic acid, which is acidic and polar, with alanine, which is neutral and non-polar, at codon 665 of the SMARCA4 protein (p.Glu665Ala).

Genome-Nilou Lab
Classification: Uncertain significance for Intellectual disability, autosomal dominant 16. Last evaluated: 2021-07-15. Review status: criteria provided, single submitter. Criteria: ACMG Guidelines, 2015. Collection method: clinical testing. Allele origin: germline. Affected: no.